The following is an entry in ClinVar:

ClinVar aggregate classification (germline): Benign/Likely benign. Review status: criteria provided, multiple submitters, no conflicts (2 of 4 stars). 3 submissions from 3 submitters: Benign (2); Likely benign (1). Last evaluated 2026-02-01.

Allele frequency attached by ClinVar (database versions not stated): 1000 Genomes Project 0.00359; 1000 Genomes Project 30x 0.00359; gnomAD 0.00443 and 0.00483; TOPMed 0.00447; ESP Exome Variant Server 0.00646; ExAC 0.00686; gnomAD exomes 0.00687 and 0.00745.
gnomAD v4.1: 11,607 of 1,612,590 alleles (0.72%); highest among the groups gnomAD compares: South Asian, 1.5%; 58 homozygotes.

Submissions (3):

Labcorp Genetics (formerly Invitae), Labcorp
Classification: Benign. Last evaluated: 2026-02-01. Review status: criteria provided, single submitter. Criteria: Invitae Variant Classification Sherloc (09022015). Collection method: clinical testing. Allele origin: germline.

CeGaT Center for Human Genetics Tuebingen
Classification: Benign. Last evaluated: 2024-06-01. Review status: criteria provided, single submitter. Criteria: CeGaT Center For Human Genetics Tuebingen Variant Classification Criteria Version 2. Collection method: clinical testing. Allele origin: germline. Affected: yes. Observed: 4 variant alleles.
Comment: IL23R: BP4, BP7, BS1, BS2

Breakthrough Genomics
Classification: Likely benign. Review status: criteria provided, single submitter. Criteria: ACMG Guidelines, 2015. Collection method: not provided. Allele origin: germline. Inheritance: Unknown mechanism. Affected: yes.

NM_144701.3(IL23R):c.723T>C (p.Tyr241=)

Gene: IL23R (interleukin 23 receptor; plus strand). Cytogenetic location: 1p31.3.
Variant type: single nucleotide variant.
Coding change: c.723T>C on transcript NM_144701.3 (MANE Select); coding-DNA position 723, T replaced by C.
Protein change: p.Tyr241=; no amino-acid change (tyrosine 241 retained).
Molecular consequence: synonymous variant.
Genome position (GRCh38, 1-based): chr1:67,206,980, T>C. VCF-style: chr1-67206980-T-C. GRCh37 (hg19) VCF-style: chr1-67672663-T-C.
Identifiers: ClinVar variation 718308 (VCV000718308.48), dbSNP rs113009360, ClinGen allele CA899803.